The following is an entry in ClinVar:

NM_018249.6(CDK5RAP2):c.673G>T (p.Glu225Ter)

Gene: CDK5RAP2 (CDK5 regulatory subunit associated protein 2; minus strand). Cytogenetic location: 9q33.2.
Variant type: single nucleotide variant.
Coding change: c.673G>T on transcript NM_018249.6 (MANE Select); coding-DNA position 673, G replaced by T.
Protein change: p.Glu225Ter; replaces glutamic acid 225 with a stop codon.
Molecular consequence: nonsense. On other transcripts: non-coding transcript variant (5).
Genome position (GRCh38, 1-based): chr9:120,530,130, C>A on the plus strand (G>T on the coding strand, the complement: CDK5RAP2 is on the minus strand). VCF-style: chr9-120530130-C-A. GRCh37 (hg19) VCF-style: chr9-123292408-C-A.
Other names: c.673G>T, p.Glu225Ter (NM_001011649.3, NM_001272039.2, NM_001410992.1 and 2 more transcripts); short protein forms E225*.
Identifiers: ClinVar variation 3351791 (VCV003351791.1).

ClinVar aggregate classification (germline): Likely pathogenic (0 of 4 stars; one submission).

Conditions:
CDK5RAP2-related disorder. Also called: CDK5RAP2-related condition.

gnomAD v4.1: 2 of 1,612,920 alleles (0.00012%); highest among the groups gnomAD compares: Non-Finnish European, 0.00017%; no homozygotes.

Submission:

PreventionGenetics, part of Exact Sciences
Classification: Likely pathogenic for CDK5RAP2-related condition. Last evaluated: 2024-06-13. Review status: no assertion criteria provided. Collection method: clinical testing. Allele origin: germline.
Comment: The CDK5RAP2 c.673G>T variant is predicted to result in premature protein termination (p.Glu225*). To our knowledge, this variant has not been reported in the literature. This variant is reported in 0.0065% of alleles in individuals of European (Non-Finnish) descent in gnomAD. Nonsense variants in CDK5RAP2 are expected to be pathogenic. This variant is interpreted as likely pathogenic.